The following is an entry in ClinVar:

NM_001242896.3(DEPDC5):c.1214A>G (p.His405Arg)

Gene: DEPDC5 (DEP domain containing 5, GATOR1 subcomplex subunit; plus strand). Cytogenetic location: 22q12.3.
Variant type: single nucleotide variant.
Coding change: c.1214A>G on transcript NM_001242896.3 (MANE Select); coding-DNA position 1214, A replaced by G.
Protein change: p.His405Arg; replaces histidine 405 with arginine.
Molecular consequence: missense variant. On other transcripts: non-coding transcript variant (5).
Genome position (GRCh38, 1-based): chr22:31,804,912, A>G. VCF-style: chr22-31804912-A-G. GRCh37 (hg19) VCF-style: chr22-32200898-A-G.
Other names: c.1214A>G (NM_001242896.1); c.1214A>G, p.His405Arg (NM_001007188.4, NM_001136029.4, NM_001242897.2 and 7 more transcripts); c.1130A>G, p.His377Arg (NM_001369901.1, NM_001369902.1); short protein forms H377R, H405R.
Identifiers: ClinVar variation 2770309 (VCV002770309.4), dbSNP rs761351469, ClinGen allele CA10196267.

ClinVar aggregate classification (germline): Uncertain significance. Review status: criteria provided, single submitter (1 of 4 stars). 2 submissions from 2 submitters: Uncertain significance (1). 1 of the submissions does not count toward it. Last evaluated 2025-02-24.

Conditions:
DEPDC5-related disorder. Also called: DEPDC5-related condition; DEPDC5-related related disorder.
Familial focal epilepsy with variable foci (FPEVF). Identifiers: Orphanet 98820, MedGen C1858477, MONDO:0020310.

Allele frequency attached by ClinVar (database versions not stated): TOPMed below 0.00001; ExAC 0.00001; gnomAD 0.00001; gnomAD exomes 0.00001.
gnomAD v4.1: 15 of 1,613,336 alleles (0.00093%); highest among the groups gnomAD compares: Non-Finnish European, 0.0013%; no homozygotes.

Submissions (2):

Labcorp Genetics (formerly Invitae), Labcorp
Classification: Uncertain significance for Familial focal epilepsy with variable foci. Last evaluated: 2025-02-24. Review status: criteria provided, single submitter. Criteria: Invitae Variant Classification Sherloc (09022015). Collection method: clinical testing. Allele origin: germline.
Comment: This sequence change replaces histidine, which is basic and polar, with arginine, which is basic and polar, at codon 405 of the DEPDC5 protein (p.His405Arg). This variant is present in population databases (rs761351469, gnomAD 0.005%). This variant has not been reported in the literature in individuals affected with DEPDC5-related conditions. ClinVar contains an entry for this variant (Variation ID: 2770309). Experimental studies and prediction algorithms are not available or were not evaluated, and the functional significance of this variant is currently unknown. In summary, the available evidence is currently insufficient to determine the role of this variant in disease. Therefore, it has been classified as a Variant of Uncertain Significance.

PreventionGenetics, part of Exact Sciences
Classification: Uncertain significance for DEPDC5-related condition. Last evaluated: 2024-03-06. Review status: no assertion criteria provided. Collection method: clinical testing. Allele origin: germline. Not counted in ClinVar's aggregate classification.
Comment: The DEPDC5 c.1214A>G variant is predicted to result in the amino acid substitution p.His405Arg. To our knowledge, this variant has not been reported in the literature. This variant is reported in 0.0047% of alleles in individuals of European (Non-Finnish) descent in gnomAD. At this time, the clinical significance of this variant is uncertain due to the absence of conclusive functional and genetic evidence.